The following is an entry in ClinVar:

ClinVar aggregate classification (germline): Pathogenic (1 of 4 stars; one submission).

Conditions:
Rubinstein-Taybi syndrome due to CREBBP mutations (RSTS1). Also called: BROAD THUMB-HALLUX SYNDROME; RUBINSTEIN SYNDROME; CREBBP-Related Rubinstein-Taybi Syndrome; BROAD THUMBS AND GREAT TOES, CHARACTERISTIC FACIES, AND IMPAIRED INTELLECTUAL DEVELOPMENT; RUBINSTEIN-TAYBI SYNDROME 1, INCOMPLETE; Rubinstein-Taybi syndrome 1. Identifiers: Orphanet 353277, Orphanet 783, MedGen C4551859, MONDO:0008393, OMIM 180849.

Submission:

Labcorp Genetics (formerly Invitae), Labcorp
Classification: Pathogenic for Rubinstein-Taybi syndrome. Last evaluated: 2018-04-26. Review status: criteria provided, single submitter. Criteria: Invitae Variant Classification Sherloc (09022015). Collection method: clinical testing. Allele origin: germline.
Comment: This variant is a gross deletion of the genomic region encompassing first 24 nucleotides of exon 1 of the CREBBP gene (c.-1380_24del), which includes the initiator codon. This is expected to result in an absent or disrupted protein product. This variant has not been reported in the literature in individuals with CREBBP-related disease. Loss-of-function variants in CREBBP are known to be pathogenic (PMID: 17052327, 18792986). For these reasons, this variant has been classified as Pathogenic.

NM_004380.3(CREBBP):c.-204_85del (p.Met1fs)

Genes: CREBBP (CREB binding lysine acetyltransferase; minus strand), LOC130058358 (ATAC-STARR-seq lymphoblastoid silent region 7142; plus strand), LOC130058357 (ATAC-STARR-seq lymphoblastoid silent region 7141; plus strand). Cytogenetic location: 16p13.3.
Variant type: Deletion.
Coding change: c.-204_85del on transcript NM_004380.3 (MANE Select); 204 bases upstream of the start codon through coding-DNA position 85, 289 bases deleted.
Protein change: p.Met1fs; shifts the reading frame from methionine 1.
Molecular consequence: frameshift variant, initiator codon variant.
Genome position (GRCh38, 1-based): chr16:3,879,832-3,880,120, 289 bases deleted. GRCh37 (hg19): chr16:3,929,834-3,930,122.
Other names: c.-204_85del (NM_004380.2); short protein forms M1fs.
Identifiers: ClinVar variation 576111 (VCV000576111.2), dbSNP rs1567386034, ClinGen allele CA891844172.